The following is an entry in ClinVar:

ClinVar aggregate classification (germline): Likely benign (1 of 4 stars; one submission).

Allele frequency attached by ClinVar (database versions not stated): gnomAD exomes 0.00001 and 0.00002; ExAC 0.00003; gnomAD 0.00013 and 0.00016; TOPMed 0.00020.

Submission:

GeneDx
Classification: Likely benign. Last evaluated: 2017-03-07. Review status: criteria provided, single submitter. Criteria: GeneDx Variant Classification (06012015). Collection method: clinical testing. Allele origin: germline. Affected: yes.
Comment: This variant is considered likely benign or benign based on one or more of the following criteria: it is a conservative change, it occurs at a poorly conserved position in the protein, it is predicted to be benign by multiple in silico algorithms, and/or has population frequency not consistent with disease.

NM_016013.4(NDUFAF1):c.-76A>G

Gene: NDUFAF1 (NADH:ubiquinone oxidoreductase complex assembly factor 1; minus strand). Cytogenetic location: 15q15.1.
Variant type: single nucleotide variant.
Coding change: c.-76A>G on transcript NM_016013.4 (MANE Select); 76 bases upstream of the start codon, A replaced by G.
Molecular consequence: 5 prime UTR variant. On other transcripts: non-coding transcript variant (1).
Genome position (GRCh38, 1-based): chr15:41,397,135, T>C on the plus strand (A>G on the coding strand, the complement: NDUFAF1 is on the minus strand). VCF-style: chr15-41397135-T-C. GRCh37 (hg19) VCF-style: chr15-41689333-T-C.
Identifiers: ClinVar variation 507435 (VCV000507435.1), dbSNP rs778111432, ClinGen allele CA7491428.